The following is an entry in ClinVar:

NM_024642.5(GALNT12):c.1459-13G>T

Gene: GALNT12 (polypeptide N-acetylgalactosaminyltransferase 12; plus strand). Cytogenetic location: 9q22.33.
Variant type: single nucleotide variant.
Coding change: c.1459-13G>T on transcript NM_024642.5 (MANE Select); 13 bases into the intron before coding-DNA position 1459, G replaced by T.
Molecular consequence: intron variant.
Genome position (GRCh38, 1-based): chr9:98,845,964, G>T. VCF-style: chr9-98845964-G-T. GRCh37 (hg19) VCF-style: chr9-101608246-G-T.
Identifiers: ClinVar variation 4876133 (VCV004876133.1).

ClinVar aggregate classification (germline): Likely benign (1 of 4 stars; one submission).

Conditions:
Colorectal cancer, susceptibility to, 1. Also called: COLORECTAL ADENOMA AND CANCER, SUSCEPTIBILITY TO; COLORECTAL CANCER, SUSCEPTIBILITY TO, ON CHROMOSOME 9. Identifiers: MedGen C1837315, MONDO:0012132, OMIM 608812.

gnomAD v4.1: 2 of 1,613,916 alleles (0.00012%); highest among the groups gnomAD compares: Non-Finnish European, 0.00017%; no homozygotes.

Submission:

Myriad Genetics, Inc.
Classification: Likely benign for Colorectal cancer, susceptibility to, 1. Last evaluated: 2026-04-22. Review status: criteria provided, single submitter. Criteria: Myriad Autosomal Dominant, Autosomal Recessive and X-Linked Classification Criteria (2023). Collection method: clinical testing. Allele origin: unknown.
Comment: This variant is considered likely benign. This variant is intronic and is not expected to impact mRNA splicing.